The following is an entry in ClinVar:

NM_001081.4(CUBN):c.6772C>T (p.Arg2258Cys)

Gene: CUBN (cubilin; minus strand). Cytogenetic location: 10p13.
Variant type: single nucleotide variant.
Coding change: c.6772C>T on transcript NM_001081.4 (MANE Select); coding-DNA position 6772, C replaced by T.
Protein change: p.Arg2258Cys; replaces arginine 2258 with cysteine.
Molecular consequence: missense variant.
Genome position (GRCh38, 1-based): chr10:16,920,012, G>A on the plus strand (C>T on the coding strand, the complement: CUBN is on the minus strand). VCF-style: chr10-16920012-G-A. GRCh37 (hg19) VCF-style: chr10-16962011-G-A.
Other names: short protein forms R2258C.
Identifiers: ClinVar variation 2631798 (VCV002631798.3), dbSNP rs774125861, ClinGen allele CA5423585.

ClinVar aggregate classification (germline): Uncertain significance. Review status: criteria provided, multiple submitters, no conflicts (2 of 4 stars). 3 submissions from 3 submitters: Uncertain significance (3). Last evaluated 2025-03-14.

Conditions:
Imerslund-Grasbeck syndrome type 1 (IGS1). Also called: Megaloblastic anemia 1, Finnish type; MEGALOBLASTIC ANEMIA, 1; Imerslund-Gräsbeck syndrome 1. Identifiers: MedGen C4016819, MONDO:0100156, OMIM 261100.
Proteinuria, chronic benign. Identifiers: MedGen C5394384, MONDO:0030042, OMIM 618884.
CUBN-related disorder. Also called: CUBN-related condition.

Allele frequency attached by ClinVar (database versions not stated): ExAC 0.00002; gnomAD 0.00001; TOPMed 0.00001.
gnomAD v4.1: 17 of 1,613,828 alleles (0.0011%); highest among the groups gnomAD compares: South Asian, 0.0033%; no homozygotes.

Submissions (3):

GeneDx
Classification: Uncertain significance. Last evaluated: 2025-03-14. Review status: criteria provided, single submitter. Criteria: GeneDx Variant Classification Process June 2021. Collection method: clinical testing. Allele origin: germline. Affected: yes.
Comment: Not observed at significant frequency in large population cohorts (gnomAD); In silico analysis indicates that this missense variant does not alter protein structure/function; Has not been previously published as pathogenic or benign to our knowledge

Fulgent Genetics
Classification: Uncertain significance for Imerslund-Grasbeck syndrome type 1; Proteinuria, chronic benign. Last evaluated: 2024-06-17. Review status: criteria provided, single submitter. Criteria: ACMG Guidelines, 2015. Collection method: clinical testing. Allele origin: germline.

PreventionGenetics, part of Exact Sciences
Classification: Uncertain significance for CUBN-related condition. Last evaluated: 2023-08-01. Review status: criteria provided, single submitter. Criteria: ACMG Guidelines, 2015. Collection method: clinical testing. Allele origin: germline.
Comment: The CUBN c.6772C>T variant is predicted to result in the amino acid substitution p.Arg2258Cys. To our knowledge, this variant has not been reported in the literature. This variant is reported in 0.0099% of alleles in individuals of Ashkenazi Jewish descent in gnomAD. At this time, the clinical significance of this variant is uncertain due to the absence of conclusive functional and genetic evidence.